The following is an entry in ClinVar:

ClinVar aggregate classification (germline): Conflicting classifications of pathogenicity. Review status: criteria provided, conflicting classifications (1 of 4 stars). 2 submissions from 2 submitters: Uncertain significance (1); Likely benign (1). Last evaluated 2026-02-03.

Conditions:
Tuberous sclerosis 1 (TSC1). Identifiers: Orphanet 805, MedGen C1854465, MONDO:0008612, OMIM 191100.
Hereditary cancer-predisposing syndrome. Also called: Hereditary neoplastic syndrome; Neoplastic Syndromes, Hereditary; Tumor predisposition; Hereditary Cancer Syndrome. Identifiers: Orphanet 140162, MedGen C0027672, MeSH D009386, MONDO:0015356.

Submissions (2):

Labcorp Genetics (formerly Invitae), Labcorp
Classification: Likely benign for Tuberous sclerosis 1. Last evaluated: 2026-02-03. Review status: criteria provided, single submitter. Criteria: Invitae Variant Classification Sherloc (09022015). Collection method: clinical testing. Allele origin: germline.

Ambry Genetics
Classification: Uncertain significance for Hereditary cancer-predisposing syndrome. Last evaluated: 2024-12-17. Review status: criteria provided, single submitter. Criteria: Ambry Variant Classification Scheme 2023. Collection method: clinical testing. Allele origin: germline.
Comment: The c.1602_1603delGCinsTG variant (also known as p.E534_P535delinsDA), located in coding exon 13 of the TSC1 gene, results from an in-frame deletion of GC and insertion of TG at nucleotide positions 1602 to 1603. This results in the substitution of the glutamic acid and proline residues for aspartic acid and alanine residues at codon 534 and 535. This amino acid region is not well conserved in available vertebrate species. In addition, this alteration is predicted to be neutral by in silico analysis (Choi Y et al. PLoS ONE. 2012; 7(10):e46688). Based on the available evidence, the clinical significance of this variant remains unclear.

NM_000368.5(TSC1):c.1602_1603delinsTG (p.Glu534_Pro535delinsAspAla)

Gene: TSC1 (TSC complex subunit 1; minus strand). Cytogenetic location: 9q34.13.
Variant type: Indel.
Coding change: c.1602_1603delinsTG on transcript NM_000368.5 (MANE Select); coding-DNA positions 1602 to 1603, GC replaced by TG.
Protein change: p.Glu534_Pro535delinsAspAla.
Molecular consequence: missense variant.
Genome position (GRCh38, 1-based): chr9:132,905,975-132,905,976, GC replaced by CA on the plus strand (GC replaced by TG on the coding strand, the reverse complement: TSC1 is on the minus strand). VCF-style: chr9-132905975-GC-CA. GRCh37 (hg19) VCF-style: chr9-135781362-GC-CA.
Other names: c.1602_1603delGCinsTG (NM_000368.4); c.1599_1600delinsTG, p.Glu533_Pro534delinsAspAla (NM_001162426.2); c.1449_1450delinsTG, p.Glu483_Pro484delinsAspAla (NM_001162427.2); c.1239_1240delinsTG, p.Glu413_Pro414delinsAspAla (NM_001362177.2).
Identifiers: ClinVar variation 466035 (VCV000466035.15), dbSNP rs1554815972, ClinGen allele CA658657919.